The following is an entry in ClinVar:

NM_001042492.3(NF1):c.4931A>C (p.Asp1644Ala)

Gene: NF1 (neurofibromin 1; plus strand). Cytogenetic location: 17q11.2.
Variant type: single nucleotide variant.
Coding change: c.4931A>C on transcript NM_001042492.3 (MANE Select); coding-DNA position 4931, A replaced by C.
Protein change: p.Asp1644Ala; replaces aspartic acid 1644 with alanine.
Molecular consequence: missense variant.
Genome position (GRCh38, 1-based): chr17:31,325,915, A>C. VCF-style: chr17-31325915-A-C. GRCh37 (hg19) VCF-style: chr17-29652933-A-C.
Other names: c.4868A>C, p.Asp1623Ala (NM_000267.4); short protein forms D1623A, D1644A.
Identifiers: ClinVar variation 1044895 (VCV001044895.5), dbSNP rs2069327949, ClinGen allele CA399007134.
Genomic context (GRCh38, chr17:31,325,915, plus strand): 5'-TATACCATGTCTTACTGACTTTAAAGCCATATTATGCAAAGCCATATGAAATTGTAGTGG[A>C]CCTTACCCATACCGGGCCTAGCAATCGCTTTAAAACAGACTTTCTCTCTAAGTGGTTTGT-3'
Protein context (NP_001035957.1, residues 1634-1654): YYAKPYEIVV[Asp1644Ala]LTHTGPSNRF

ClinVar aggregate classification (germline): Pathogenic (1 of 4 stars; one submission).

Conditions:
Neurofibromatosis, type 1 (NF1). Also called: VON RECKLINGHAUSEN DISEASE; NEUROFIBROMATOSIS, TYPE I, SOMATIC; Peripheral type neurofibromatosis; Neurofibromatosis, type I. Identifiers: Orphanet 636, MedGen C0027831, MONDO:0018975, OMIM 162200. Disease mechanism: loss of function.

Submission:

Labcorp Genetics (formerly Invitae), Labcorp
Classification: Pathogenic for Neurofibromatosis, type 1. Last evaluated: 2022-05-27. Review status: criteria provided, single submitter. Criteria: Invitae Variant Classification Sherloc (09022015). Collection method: clinical testing. Allele origin: germline.
Comment: This variant disrupts the p.Asp1623 amino acid residue in NF1. Other variant(s) that disrupt this residue have been determined to be pathogenic (PMID: 23913538; Invitae). This suggests that this residue is clinically significant, and that variants that disrupt this residue are likely to be disease-causing. For these reasons, this variant has been classified as Pathogenic. Advanced modeling of protein sequence and biophysical properties (such as structural, functional, and spatial information, amino acid conservation, physicochemical variation, residue mobility, and thermodynamic stability) performed at Invitae indicates that this missense variant is expected to disrupt NF1 protein function. ClinVar contains an entry for this variant (Variation ID: 1044895). This missense change has been observed in individual(s) with clinical features of neurofibromatosis type 1 (Invitae). In at least one individual the variant was observed to be de novo. This variant is not present in population databases (gnomAD no frequency). This sequence change replaces aspartic acid, which is acidic and polar, with alanine, which is neutral and non-polar, at codon 1623 of the NF1 protein (p.Asp1623Ala).

Literature cited by the submitters: PubMed 23913538.